The following is an entry in ClinVar:

ClinVar aggregate classification (germline): Uncertain significance. Review status: criteria provided, multiple submitters, no conflicts (2 of 4 stars). 2 submissions from 2 submitters: Uncertain significance (2). Last evaluated 2025-07-06.

Conditions:
Amyloidosis, hereditary systemic 1 (AMYLD1). Also called: Hereditary oculoleptomeningeal amyloid angiopathy; Familial Transthyretin Amyloidosis; Familial amyloid polyneuropathy; Transthyretin Amyloidosis; AMYLOID CARDIOMYOPATHY; Hereditary Transthyretin Amyloidosis. Identifiers: Orphanet 85447, Orphanet 85451, MedGen C2751492, MONDO:0971004, OMIM 105210.

Submissions (2):

Labcorp Genetics (formerly Invitae), Labcorp
Classification: Uncertain significance for Amyloidosis, hereditary systemic 1. Last evaluated: 2025-07-06. Review status: criteria provided, single submitter. Criteria: Invitae Variant Classification Sherloc (09022015). Collection method: clinical testing. Allele origin: germline.
Comment: This sequence change replaces glutamic acid, which is acidic and polar, with glutamine, which is neutral and polar, at codon 86 of the TTR protein (p.Glu86Gln). This variant is not present in population databases (gnomAD no frequency). This variant has not been reported in the literature in individuals affected with TTR-related conditions. Invitae Evidence Modeling of protein sequence and biophysical properties (such as structural, functional, and spatial information, amino acid conservation, physicochemical variation, residue mobility, and thermodynamic stability) indicates that this missense variant is expected to disrupt TTR protein function with a positive predictive value of 80%. This variant disrupts the p.Glu86 amino acid residue in TTR. Other variant(s) that disrupt this residue have been determined to be pathogenic (PMID: 34024775). This suggests that this residue is clinically significant, and that variants that disrupt this residue are likely to be disease-causing. In summary, the available evidence is currently insufficient to determine the role of this variant in disease. Therefore, it has been classified as a Variant of Uncertain Significance.

Blueprint Genetics
Classification: Uncertain significance. Last evaluated: 2020-09-10. Review status: criteria provided, single submitter. Criteria: ACMG Guidelines, 2015. Collection method: clinical testing. Allele origin: germline.

Literature cited by the submitters: PubMed 34024775 (cited by Labcorp Genetics (formerly Invitae), Labcorp).

NM_000371.4(TTR):c.256G>C (p.Glu86Gln)

Gene: TTR (transthyretin; plus strand). Cytogenetic location: 18q12.1.
Variant type: single nucleotide variant.
Coding change: c.256G>C on transcript NM_000371.4 (MANE Select); coding-DNA position 256, G replaced by C.
Protein change: p.Glu86Gln; replaces glutamic acid 86 with glutamine.
Molecular consequence: missense variant.
Genome position (GRCh38, 1-based): chr18:31,595,175, G>C. VCF-style: chr18-31595175-G-C. GRCh37 (hg19) VCF-style: chr18-29175138-G-C.
Other names: short protein forms E86Q.
Identifiers: ClinVar variation 4765424 (VCV004765424.2).